The following is an entry in ClinVar:

ClinVar aggregate classification (germline): Likely benign. Review status: criteria provided, multiple submitters, no conflicts (2 of 4 stars). 3 submissions from 3 submitters: Likely benign (3). Last evaluated 2024-09-16.

Conditions:
MEGF8-related Carpenter syndrome. Also called: Carpenter syndrome 2. Identifiers: Orphanet 65759, MedGen C3554247, MONDO:0013998, OMIM 614976.

Allele frequency attached by ClinVar (database versions not stated): 1000 Genomes Project 30x 0.00016; 1000 Genomes Project 0.00020; gnomAD exomes 0.00029 and 0.00057; TOPMed 0.00032; ExAC 0.00033; gnomAD 0.00034; ESP Exome Variant Server 0.00071.
gnomAD v4.1: 906 of 1,613,858 alleles (0.056%); highest among the groups gnomAD compares: Non-Finnish European, 0.071%; no homozygotes.

Submissions (3):

Blueprint Genetics
Classification: Likely benign. Last evaluated: 2024-09-16. Review status: criteria provided, single submitter. Criteria: ACMG Guidelines, 2015. Collection method: clinical testing. Allele origin: germline.

Labcorp Genetics (formerly Invitae), Labcorp
Classification: Likely benign for MEGF8-related Carpenter syndrome. Last evaluated: 2023-08-23. Review status: criteria provided, single submitter. Criteria: Invitae Variant Classification Sherloc (09022015). Collection method: clinical testing. Allele origin: germline.

CeGaT Center for Human Genetics Tuebingen
Classification: Likely benign. Last evaluated: 2023-06-01. Review status: criteria provided, single submitter. Criteria: CeGaT Center For Human Genetics Tuebingen Variant Classification Criteria Version 2. Collection method: clinical testing. Allele origin: germline. Affected: yes. Observed: 1 variant allele.
Comment: MEGF8: BP4, BP7

NM_001271938.2(MEGF8):c.390G>A (p.Leu130=)

Gene: MEGF8 (multiple EGF like domains 8; plus strand). Cytogenetic location: 19q13.2.
Variant type: single nucleotide variant.
Coding change: c.390G>A on transcript NM_001271938.2 (MANE Select); coding-DNA position 390, G replaced by A.
Protein change: p.Leu130=; no amino-acid change (leucine 130 retained).
Molecular consequence: synonymous variant.
Genome position (GRCh38, 1-based): chr19:42,334,045, G>A. VCF-style: chr19-42334045-G-A. GRCh37 (hg19) VCF-style: chr19-42838197-G-A.
Other names: c.390G>A, p.Leu130= (NM_001410.3).
Identifiers: ClinVar variation 703152 (VCV000703152.75), dbSNP rs377093238, ClinGen allele CA9474163.